The following is an entry in ClinVar:

NM_001013839.4(EXOC7):c.1818+7C>T

Gene: EXOC7 (exocyst complex component 7; minus strand). Cytogenetic location: 17q25.1.
Variant type: single nucleotide variant.
Coding change: c.1818+7C>T on transcript NM_001013839.4 (MANE Select); 7 bases into the intron after coding-DNA position 1818, C replaced by T.
Molecular consequence: intron variant.
Genome position (GRCh38, 1-based): chr17:76,084,241, G>A on the plus strand (C>T on the coding strand, the complement: EXOC7 is on the minus strand). VCF-style: chr17-76084241-G-A. GRCh37 (hg19) VCF-style: chr17-74080322-G-A.
Other names: c.1725+7C>T (NM_015219.5); c.1764+7C>T (NM_001375975.1); c.1794+7C>T (NM_001145298.4); c.1857+7C>T (NM_001375974.1); c.1887+7C>T (NM_001145299.4); c.1926+7C>T (NM_001375976.1); c.1971+7C>T (NM_001145297.4); c.1734+7C>T (NM_001282313.2).
Identifiers: ClinVar variation 2648290 (VCV002648290.24), dbSNP rs118102690, ClinGen allele CA8781098.

ClinVar aggregate classification (germline): Benign (1 of 4 stars; one submission).

Allele frequency attached by ClinVar (database versions not stated): 1000 Genomes Project 0.00359; 1000 Genomes Project 30x 0.00375; ESP Exome Variant Server 0.00738.
gnomAD v4.1: 14,886 of 1,611,834 alleles (0.92%); highest among the groups gnomAD compares: Non-Finnish European, 1.1%; 100 homozygotes.

Submission:

CeGaT Center for Human Genetics Tuebingen
Classification: Benign. Last evaluated: 2025-10-01. Review status: criteria provided, single submitter. Criteria: CeGaT Center For Human Genetics Tuebingen Variant Classification Criteria Version 2. Collection method: clinical testing. Allele origin: germline. Affected: yes. Observed: 15 variant alleles.
Comment: EXOC7: BP4, BS1, BS2